The following is an entry in ClinVar:

NM_000901.5(NR3C2):c.104A>C (p.Glu35Ala)

Gene: NR3C2 (nuclear receptor subfamily 3 group C member 2; minus strand). Cytogenetic location: 4q31.23.
Variant type: single nucleotide variant.
Coding change: c.104A>C on transcript NM_000901.5 (MANE Select); coding-DNA position 104, A replaced by C.
Protein change: p.Glu35Ala; replaces glutamic acid 35 with alanine.
Molecular consequence: missense variant. On other transcripts: non-coding transcript variant (1).
Genome position (GRCh38, 1-based): chr4:148,436,757, T>G on the plus strand (A>C on the coding strand, the complement: NR3C2 is on the minus strand). VCF-style: chr4-148436757-T-G. GRCh37 (hg19) VCF-style: chr4-149357909-T-G.
Other names: c.104A>C, p.Glu35Ala (NM_001166104.2, NM_001354819.1); short protein forms E35A.
Identifiers: ClinVar variation 1717417 (VCV001717417.5), dbSNP rs1183906274, ClinGen allele CA358250310.

ClinVar aggregate classification (germline): Uncertain significance (1 of 4 stars; one submission).

Submission:

Labcorp Genetics (formerly Invitae), Labcorp
Classification: Uncertain significance. Last evaluated: 2024-06-03. Review status: criteria provided, single submitter. Criteria: Invitae Variant Classification Sherloc (09022015). Collection method: clinical testing. Allele origin: germline.
Comment: This sequence change replaces glutamic acid, which is acidic and polar, with alanine, which is neutral and non-polar, at codon 35 of the NR3C2 protein (p.Glu35Ala). This variant is not present in population databases (gnomAD no frequency). This variant has not been reported in the literature in individuals affected with NR3C2-related conditions. ClinVar contains an entry for this variant (Variation ID: 1717417). An algorithm developed to predict the effect of missense changes on protein structure and function (PolyPhen-2) suggests that this variant is likely to be disruptive. In summary, the available evidence is currently insufficient to determine the role of this variant in disease. Therefore, it has been classified as a Variant of Uncertain Significance.